The following is an entry in ClinVar:

ClinVar aggregate classification (germline): Uncertain significance (1 of 4 stars; one submission).

Submission:

Labcorp Genetics (formerly Invitae), Labcorp
Classification: Uncertain significance. Last evaluated: 2022-04-28. Review status: criteria provided, single submitter. Criteria: Invitae Variant Classification Sherloc (09022015). Collection method: clinical testing. Allele origin: germline.
Comment: This sequence change replaces glycine, which is neutral and non-polar, with alanine, which is neutral and non-polar, at codon 531 of the TOP3A protein (p.Gly531Ala). This variant is not present in population databases (gnomAD no frequency). This variant has not been reported in the literature in individuals affected with TOP3A-related conditions. Algorithms developed to predict the effect of missense changes on protein structure and function are either unavailable or do not agree on the potential impact of this missense change (SIFT: "Not Available"; PolyPhen-2: "Probably Damaging"; Align-GVGD: "Not Available"). In summary, the available evidence is currently insufficient to determine the role of this variant in disease. Therefore, it has been classified as a Variant of Uncertain Significance.

NM_004618.5(TOP3A):c.1592G>C (p.Gly531Ala)

Gene: TOP3A (DNA topoisomerase III alpha; minus strand). Cytogenetic location: 17p11.2.
Variant type: single nucleotide variant.
Coding change: c.1592G>C on transcript NM_004618.5 (MANE Select); coding-DNA position 1592, G replaced by C.
Protein change: p.Gly531Ala; replaces glycine 531 with alanine.
Molecular consequence: missense variant.
Genome position (GRCh38, 1-based): chr17:18,290,562, C>G on the plus strand (G>C on the coding strand, the complement: TOP3A is on the minus strand). VCF-style: chr17-18290562-C-G. GRCh37 (hg19) VCF-style: chr17-18193876-C-G.
Other names: c.1307G>C, p.Gly436Ala (NM_001320759.2); short protein forms G436A, G531A.
Identifiers: ClinVar variation 1949527 (VCV001949527.2), dbSNP rs2545606437, ClinGen allele CA398630715.
Genomic context (GRCh38, chr17:18,290,562, plus strand): 5'-GGTACACTGTAAGCCTTAGCTCAAGAGATGCGAGTTACCCAGAGGAGCCACTGACCAATG[C>G]CATGCTTCTCCATGAGGGCAATGAGGTCGGCCTCGGTGAGCAGCTTGGGTGGGCTGGTCT-3'
Protein context (NP_004609.1, residues 521-541): ADLIALMEKH[Gly531Ala]IGTDATHAEH